The following is an entry in ClinVar:

ClinVar aggregate classification (germline): Likely benign. Review status: criteria provided, multiple submitters, no conflicts (2 of 4 stars). 4 submissions from 4 submitters: Likely benign (4). Last evaluated 2025-12-23.

Conditions:
KANK1-related disorder. Also called: KANK1-related condition.

Allele frequency attached by ClinVar (database versions not stated): gnomAD 0.00001 and 0.00024; TOPMed 0.00006; ESP Exome Variant Server 0.00008; ExAC 0.00100; 1000 Genomes Project 30x 0.00109; 1000 Genomes Project 0.00140.
gnomAD v4.1: 661 of 1,603,676 alleles (0.041%); highest among the groups gnomAD compares: South Asian, 0.68%; 6 homozygotes.

Submissions (4):

PreventionGenetics, part of Exact Sciences
Classification: Likely benign for KANK1-related condition. Last evaluated: 2025-12-23. Review status: criteria provided, single submitter. Criteria: ACMG Guidelines, 2015. Collection method: clinical testing. Allele origin: germline.
Comment: This variant is classified as likely benign based on ACMG/AMP sequence variant interpretation guidelines (Richards et al. 2015 PMID: 25741868, with internal and published modifications).

Labcorp Genetics (formerly Invitae), Labcorp
Classification: Likely benign. Last evaluated: 2025-12-14. Review status: criteria provided, single submitter. Criteria: Invitae Variant Classification Sherloc (09022015). Collection method: clinical testing. Allele origin: germline.

CeGaT Center for Human Genetics Tuebingen
Classification: Likely benign. Last evaluated: 2025-09-01. Review status: criteria provided, single submitter. Criteria: CeGaT Center For Human Genetics Tuebingen Variant Classification Criteria Version 2. Collection method: clinical testing. Allele origin: germline. Affected: yes. Observed: 3 variant alleles.
Comment: KANK1: BP4, BS2

Blueprint Genetics
Classification: Likely benign. Last evaluated: 2024-11-19. Review status: criteria provided, single submitter. Criteria: ACMG Guidelines, 2015. Collection method: clinical testing. Allele origin: germline.

NM_015158.5(KANK1):c.2662C>G (p.Pro888Ala)

Gene: KANK1 (KN motif and ankyrin repeat domains 1; plus strand). Cytogenetic location: 9p24.3.
Variant type: single nucleotide variant.
Coding change: c.2662C>G on transcript NM_015158.5 (MANE Select); coding-DNA position 2662, C replaced by G.
Protein change: p.Pro888Ala; replaces proline 888 with alanine.
Molecular consequence: missense variant. On other transcripts: non-coding transcript variant (1).
Genome position (GRCh38, 1-based): chr9:713,428, C>G. VCF-style: chr9-713428-C-G. GRCh37 (hg19) VCF-style: chr9-713428-C-G.
Other names: c.2662C>G, p.Pro888Ala (NM_001256876.3, NM_001256877.3, NM_001354331.2 and 2 more transcripts); c.2188C>G, p.Pro730Ala (NM_001354333.2, NM_001354335.2, NM_001354336.2 and 9 more transcripts); short protein forms P730A, P888A.
Identifiers: ClinVar variation 743011 (VCV000743011.24), dbSNP rs374172115, ClinGen allele CA4960562.